The following is an entry in ClinVar:

NM_003482.4(KMT2D):c.9194T>A (p.Ile3065Asn)

Gene: KMT2D (lysine methyltransferase 2D; minus strand). Cytogenetic location: 12q13.12.
Variant type: single nucleotide variant.
Coding change: c.9194T>A on transcript NM_003482.4 (MANE Select); coding-DNA position 9194, T replaced by A.
Protein change: p.Ile3065Asn; replaces isoleucine 3065 with asparagine.
Molecular consequence: missense variant.
Genome position (GRCh38, 1-based): chr12:49,038,162, A>T on the plus strand (T>A on the coding strand, the complement: KMT2D is on the minus strand). VCF-style: chr12-49038162-A-T. GRCh37 (hg19) VCF-style: chr12-49431945-A-T.
Other names: short protein forms I3065N.
Identifiers: ClinVar variation 1307466 (VCV001307466.4), dbSNP rs1381757467, ClinGen allele CA384739379.
Genomic context (GRCh38, chr12:49,038,162, plus strand): 5'-AGGGCCTCCCGTTCAGCCTTCTCATTAGCCGATTCTACCAGCCTCAGGTGCTCATTGAAG[A>T]TATCCTTCTTGTCCCCAGTGTCCAGCTCAGGATCAGTATATGCCAGCAGGTCAAACTCGT-3'
Protein context (NP_003473.3, residues 3055-3075): PELDTGDKKD[Ile3065Asn]FNEHLRLVES

ClinVar aggregate classification (germline): Uncertain significance. Review status: criteria provided, multiple submitters, no conflicts (2 of 4 stars). 2 submissions from 2 submitters: Uncertain significance (2). Last evaluated 2026-05-12.

Conditions:
Inborn genetic diseases. Identifiers: MedGen C0950123, MeSH D030342.

Allele frequency attached by ClinVar (database versions not stated): gnomAD exomes below 0.00001.
gnomAD v4.1: 1 of 1,613,874 alleles (0.000062%); highest among the groups gnomAD compares: Non-Finnish European, 0.000085%; no homozygotes.

Submissions (2):

Ambry Genetics
Classification: Uncertain significance for Inborn genetic diseases. Last evaluated: 2026-05-12. Review status: criteria provided, single submitter. Criteria: Ambry Variant Classification Scheme 2023. Collection method: clinical testing. Allele origin: germline.

GeneDx
Classification: Uncertain significance. Last evaluated: 2022-01-24. Review status: criteria provided, single submitter. Criteria: GeneDx Variant Classification Process June 2021. Collection method: clinical testing. Allele origin: germline. Affected: yes.
Comment: Not observed in large population cohorts (gnomAD); In silico analysis, which includes protein predictors and evolutionary conservation, supports a deleterious effect; Has not been previously published as pathogenic or benign to our knowledge